The following is an entry in ClinVar:

ClinVar aggregate classification (germline): Likely benign. Review status: criteria provided, multiple submitters, no conflicts (2 of 4 stars). 5 submissions from 5 submitters: Likely benign (5). Last evaluated 2025-08-03.

Conditions:
Cardiomyopathy (CMYO). Also called: Cardiomyopathies. Identifiers: Orphanet 167848, MedGen C0878544, MONDO:0004994, HP:0001638. Inheritance: Various modes of inheritance.
Cardiovascular phenotype. Identifiers: MedGen CN230736.
Hypertrophic cardiomyopathy. Also called: HYPERTROPHIC MYOCARDIOPATHY. Identifiers: Orphanet 217569, MedGen C0007194, MeSH D002312, MONDO:0005045, HP:0001639.

Allele frequency attached by ClinVar (database versions not stated): gnomAD exomes below 0.00001; TOPMed below 0.00001.
gnomAD v4.1: 3 of 1,614,124 alleles (0.00019%); highest among the groups gnomAD compares: Middle Eastern, 0.016%; no homozygotes.

Submissions (5):

Labcorp Genetics (formerly Invitae), Labcorp
Classification: Likely benign for Hypertrophic cardiomyopathy. Last evaluated: 2025-08-03. Review status: criteria provided, single submitter. Criteria: Invitae Variant Classification Sherloc (09022015). Collection method: clinical testing. Allele origin: germline.

All of Us Research Program, National Institutes of Health
Classification: Likely benign for Cardiomyopathy. Last evaluated: 2024-05-09. Review status: criteria provided, single submitter. Criteria: ACMG Guidelines, 2015. Collection method: clinical testing. Allele origin: germline. Inheritance: Autosomal dominant inheritance. Observed: 2 variant alleles, 2 heterozygotes.
Comment: This study involves interpretation of variants in research participants for the purpose of population health screening. Participant phenotype was not available at the time of variant classification. Additional details can be found in publication PMID: 35346344, PMCID: PMC8962531

Ambry Genetics
Classification: Likely benign for Cardiovascular phenotype. Last evaluated: 2024-01-01. Review status: criteria provided, single submitter. Criteria: Ambry Variant Classification Scheme 2023. Collection method: clinical testing. Allele origin: germline.

Color Diagnostics, LLC DBA Color Health
Classification: Likely benign for Cardiomyopathy. Last evaluated: 2019-10-22. Review status: criteria provided, single submitter. Criteria: ACMG Guidelines, 2015. Collection method: clinical testing. Allele origin: germline.

GeneDx
Classification: Likely benign. Last evaluated: 2015-12-17. Review status: criteria provided, single submitter. Criteria: GeneDx Variant Classification (06012015). Collection method: clinical testing. Allele origin: germline. Affected: yes.
Comment: This variant is considered likely benign or benign based on one or more of the following criteria: it is a conservative change, it occurs at a poorly conserved position in the protein, it is predicted to be benign by multiple in silico algorithms, and/or has population frequency not consistent with disease.

NM_000257.4(MYH7):c.519C>T (p.Ser173=)

Gene: MYH7 (myosin heavy chain 7; minus strand). Cytogenetic location: 14q11.2.
Variant type: single nucleotide variant.
Coding change: c.519C>T on transcript NM_000257.4 (MANE Select); coding-DNA position 519, C replaced by T.
Protein change: p.Ser173=; no amino-acid change (serine 173 retained).
Molecular consequence: synonymous variant.
Genome position (GRCh38, 1-based): chr14:23,432,490, G>A on the plus strand (C>T on the coding strand, the complement: MYH7 is on the minus strand). VCF-style: chr14-23432490-G-A. GRCh37 (hg19) VCF-style: chr14-23901699-G-A.
Other names: c.519C>T (LRG_384t1).
Identifiers: ClinVar variation 382354 (VCV000382354.13), dbSNP rs1057521338, ClinGen allele CA16607625.